The following is an entry in ClinVar:

ClinVar aggregate classification (germline): Likely pathogenic (1 of 4 stars; one submission).

Conditions:
Spastic paraplegia. Identifiers: MedGen C0037772, HP:0001258.

Submissions (2):

Labcorp Genetics (formerly Invitae), Labcorp
Classification: Likely pathogenic for Spastic paraplegia. Last evaluated: 2023-02-09. Review status: criteria provided, single submitter. Criteria: Invitae Variant Classification Sherloc (09022015). Collection method: clinical testing. Allele origin: germline.
Comment: In summary, the currently available evidence indicates that the variant is pathogenic, but additional data are needed to prove that conclusively. Therefore, this variant has been classified as Likely Pathogenic. Algorithms developed to predict the effect of sequence changes on RNA splicing suggest that this variant may disrupt the consensus splice site. This variant has not been reported in the literature in individuals affected with KDM5C-related conditions. This variant is not present in population databases (gnomAD no frequency). This sequence change affects a donor splice site in intron 19 of the KDM5C gene. It is expected to disrupt RNA splicing. Variants that disrupt the donor or acceptor splice site typically lead to a loss of protein function (PMID: 16199547), and loss-of-function variants in KDM5C are known to be pathogenic (PMID: 15586325, 18697827).

Dr. Peter K. Rogan Lab, Western University
No classification provided (evidence only). Condition: Thyroid cancer, nonmedullary, 1. Review status: no classification provided. Collection method: in vitro. Allele origin: not applicable. Functional consequence: retained intron. Not counted in ClinVar's aggregate classification.

Literature cited by the submitters: PubMed 16199547 (cited by Labcorp Genetics (formerly Invitae), Labcorp); PubMed 15586325 (cited by Labcorp Genetics (formerly Invitae), Labcorp); PubMed 18697827 (cited by Labcorp Genetics (formerly Invitae), Labcorp).

NM_004187.5(KDM5C):c.2981+1G>A

Gene: KDM5C (lysine demethylase 5C; minus strand). Cytogenetic location: Xp11.22.
Variant type: single nucleotide variant.
Coding change: c.2981+1G>A on transcript NM_004187.5 (MANE Select); the canonical splice donor site of the intron after coding-DNA position 2981, G replaced by A.
Molecular consequence: splice donor variant.
Genome position (GRCh38, 1-based): chrX:53,196,685, C>T on the plus strand (G>A on the coding strand, the complement: KDM5C is on the minus strand). VCF-style: chrX-53196685-C-T. GRCh37 (hg19) VCF-style: chrX-53225867-C-T.
Other names: c.2978+1G>A (NM_001353982.2, NM_001353979.2, NM_001282622.3); c.2981+1G>A (NM_001353981.2, NM_001353984.2, NM_001353978.3); c.2780+1G>A (NM_001146702.2).
Identifiers: ClinVar variation 2835710 (VCV002835710.4), dbSNP rs2519396147, ClinGen allele CA413111985.